The following is an entry in ClinVar:

NM_001377304.1(GFI1B):c.485C>T (p.Ala162Val)

Gene: GFI1B (growth factor independent 1B transcriptional repressor; plus strand). Cytogenetic location: 9q34.13.
Variant type: single nucleotide variant.
Coding change: c.485C>T on transcript NM_001377304.1 (MANE Select); coding-DNA position 485, C replaced by T.
Protein change: p.Ala162Val; replaces alanine 162 with valine.
Molecular consequence: missense variant.
Genome position (GRCh38, 1-based): chr9:132,988,443, C>T. VCF-style: chr9-132988443-C-T. GRCh37 (hg19) VCF-style: chr9-135863830-C-T.
Other names: c.485C>T, p.Ala162Val (NM_001135031.2, NM_001371908.1, NM_001377305.1 and 1 more transcripts); c.485C>T (NM_004188.4); short protein forms A162V.
Identifiers: ClinVar variation 1702704 (VCV001702704.3), dbSNP rs769515561, ClinGen allele CA5301947.

ClinVar aggregate classification (germline): Uncertain significance. Review status: criteria provided, multiple submitters, no conflicts (2 of 4 stars). 2 submissions from 2 submitters: Uncertain significance (2). Last evaluated 2024-02-05.

Conditions:
Inborn genetic diseases. Identifiers: MedGen C0950123, MeSH D030342.

Allele frequency attached by ClinVar (database versions not stated): gnomAD exomes 0.00001 and 0.00002; ExAC 0.00003; gnomAD 0.00003; TOPMed 0.00005.
gnomAD v4.1: 19 of 1,613,712 alleles (0.0012%); highest among the groups gnomAD compares: African/African-American, 0.0093%; no homozygotes.

Submissions (2):

Ambry Genetics
Classification: Uncertain significance for Inborn genetic diseases. Last evaluated: 2024-02-05. Review status: criteria provided, single submitter. Criteria: Ambry Variant Classification Scheme 2023. Collection method: clinical testing. Allele origin: germline.

GeneDx
Classification: Uncertain significance. Last evaluated: 2022-02-19. Review status: criteria provided, single submitter. Criteria: GeneDx Variant Classification Process June 2021. Collection method: clinical testing. Allele origin: germline. Affected: yes.
Comment: In silico analysis supports that this missense variant does not alter protein structure/function; Has not been previously published as pathogenic or benign to our knowledge